The following is an entry in ClinVar:

NM_002109.6(HARS1):c.684C>A (p.Asp228Glu)

Gene: HARS1 (histidyl-tRNA synthetase 1; minus strand). Cytogenetic location: 5q31.3.
Variant type: single nucleotide variant.
Coding change: c.684C>A on transcript NM_002109.6 (MANE Select); coding-DNA position 684, C replaced by A.
Protein change: p.Asp228Glu; replaces aspartic acid 228 with glutamic acid.
Molecular consequence: missense variant.
Genome position (GRCh38, 1-based): chr5:140,677,700, G>T on the plus strand (C>A on the coding strand, the complement: HARS1 is on the minus strand). VCF-style: chr5-140677700-G-T. GRCh37 (hg19) VCF-style: chr5-140057285-G-T.
Other names: c.564C>A, p.Asp188Glu (NM_001258040.3); c.624C>A, p.Asp208Glu (NM_001258041.3); c.504C>A, p.Asp168Glu (NM_001258042.3); c.462C>A, p.Asp154Glu (NM_001289092.2); c.342C>A, p.Asp114Glu (NM_001289093.2); c.597C>A, p.Asp199Glu (NM_001289094.2); short protein forms D114E, D154E, D168E, D188E, D199E, D208E, D228E.
Identifiers: ClinVar variation 3624021 (VCV003624021.2).

ClinVar aggregate classification (germline): Uncertain significance (1 of 4 stars; one submission).

Conditions:
Usher syndrome type 3B. Also called: USHER SYNDROME, TYPE IIIB. Identifiers: MedGen C3281066, MONDO:0013788, OMIM 614504.

gnomAD v4.1: 1 of 1,612,088 alleles (0.000062%); highest among the groups gnomAD compares: Non-Finnish European, 0.000085%; no homozygotes.

Submission:

Labcorp Genetics (formerly Invitae), Labcorp
Classification: Uncertain significance for Usher syndrome type 3B. Last evaluated: 2024-06-28. Review status: criteria provided, single submitter. Criteria: Invitae Variant Classification Sherloc (09022015). Collection method: clinical testing. Allele origin: germline.
Comment: This sequence change replaces aspartic acid, which is acidic and polar, with glutamic acid, which is acidic and polar, at codon 228 of the HARS protein (p.Asp228Glu). This variant is not present in population databases (gnomAD no frequency). This variant has not been reported in the literature in individuals affected with HARS-related conditions. Advanced modeling of protein sequence and biophysical properties (such as structural, functional, and spatial information, amino acid conservation, physicochemical variation, residue mobility, and thermodynamic stability) performed at Invitae indicates that this missense variant is not expected to disrupt HARS protein function with a negative predictive value of 80%. In summary, the available evidence is currently insufficient to determine the role of this variant in disease. Therefore, it has been classified as a Variant of Uncertain Significance.